The following is an entry in ClinVar:

NM_006662.3(SRCAP):c.7982A>T (p.Asp2661Val)

Gene: SRCAP (Snf2 related CREBBP activator protein; plus strand). Cytogenetic location: 16p11.2.
Variant type: single nucleotide variant.
Coding change: c.7982A>T on transcript NM_006662.3 (MANE Select); coding-DNA position 7982, A replaced by T.
Protein change: p.Asp2661Val; replaces aspartic acid 2661 with valine.
Molecular consequence: missense variant.
Genome position (GRCh38, 1-based): chr16:30,738,022, A>T. VCF-style: chr16-30738022-A-T. GRCh37 (hg19) VCF-style: chr16-30749343-A-T.
Other names: short protein forms D2661V.
Identifiers: ClinVar variation 1914777 (VCV001914777.4), dbSNP rs1311877687, ClinGen allele CA395635364.

ClinVar aggregate classification (germline): Uncertain significance (1 of 4 stars; one submission).

Allele frequency attached by ClinVar (database versions not stated): gnomAD exomes 0.00001.
gnomAD v4.1: 3 of 1,614,108 alleles (0.00019%); highest among the groups gnomAD compares: Admixed American, 0.005%; no homozygotes.

Submission:

Labcorp Genetics (formerly Invitae), Labcorp
Classification: Uncertain significance. Last evaluated: 2024-05-21. Review status: criteria provided, single submitter. Criteria: Invitae Variant Classification Sherloc (09022015). Collection method: clinical testing. Allele origin: germline.
Comment: This sequence change replaces aspartic acid, which is acidic and polar, with valine, which is neutral and non-polar, at codon 2661 of the SRCAP protein (p.Asp2661Val). This variant is present in population databases (no rsID available, gnomAD 0.003%). This variant has not been reported in the literature in individuals affected with SRCAP-related conditions. ClinVar contains an entry for this variant (Variation ID: 1914777). Advanced modeling of protein sequence and biophysical properties (such as structural, functional, and spatial information, amino acid conservation, physicochemical variation, residue mobility, and thermodynamic stability) performed at Invitae indicates that this missense variant is not expected to disrupt SRCAP protein function with a negative predictive value of 80%. In summary, the available evidence is currently insufficient to determine the role of this variant in disease. Therefore, it has been classified as a Variant of Uncertain Significance.